The following is an entry in ClinVar:

ClinVar aggregate classification (germline): Likely benign (1 of 4 stars; one submission).

Allele frequency attached by ClinVar (database versions not stated): 1000 Genomes Project 30x 0.00016; 1000 Genomes Project 0.00020; ExAC 0.00069; gnomAD 0.00090; ESP Exome Variant Server 0.00092; TOPMed 0.00100; gnomAD exomes 0.00131.

Submission:

CeGaT Center for Human Genetics Tuebingen
Classification: Likely benign. Last evaluated: 2023-04-01. Review status: criteria provided, single submitter. Criteria: CeGaT Center For Human Genetics Tuebingen Variant Classification Criteria Version 2. Collection method: clinical testing. Allele origin: germline. Affected: yes. Observed: 1 variant allele.
Comment: ZNF546: BP4, BP7

NM_178544.5(ZNF546):c.1974T>A (p.Ile658=)

Genes: ZNF546 (zinc finger protein 546; plus strand), LOC126862907 (P300/CBP strongly-dependent group 1 enhancer GRCh37_chr19:40520495-40521694; plus strand). Cytogenetic location: 19q13.2.
Variant type: single nucleotide variant.
Coding change: c.1974T>A on transcript NM_178544.5 (MANE Select); coding-DNA position 1974, T replaced by A.
Protein change: p.Ile658=; no amino-acid change (isoleucine 658 retained).
Molecular consequence: synonymous variant.
Genome position (GRCh38, 1-based): chr19:40,015,244, T>A. VCF-style: chr19-40015244-T-A. GRCh37 (hg19) VCF-style: chr19-40521151-T-A.
Other names: c.1896T>A, p.Ile632= (NM_001297763.2).
Identifiers: ClinVar variation 2649871 (VCV002649871.24), dbSNP rs150842478, ClinGen allele CA9439153.